The following is an entry in ClinVar:

NM_012472.6(DNAAF11):c.814C>T (p.Arg272Trp)

Gene: DNAAF11 (dynein axonemal assembly factor 11; minus strand). Cytogenetic location: 8q24.22.
Variant type: single nucleotide variant.
Coding change: c.814C>T on transcript NM_012472.6 (MANE Select); coding-DNA position 814, C replaced by T.
Protein change: p.Arg272Trp; replaces arginine 272 with tryptophan.
Molecular consequence: missense variant. On other transcripts: non-coding transcript variant (10).
Genome position (GRCh38, 1-based): chr8:132,625,294, G>A on the plus strand (C>T on the coding strand, the complement: DNAAF11 is on the minus strand). VCF-style: chr8-132625294-G-A. GRCh37 (hg19) VCF-style: chr8-133637540-G-A.
Other names: c.814C>T, p.Arg272Trp (NM_001321961.2); c.568C>T, p.Arg190Trp (NM_001321962.2); c.454C>T, p.Arg152Trp (NM_001321963.2, NM_001321964.2, NM_001321965.2 and 1 more transcripts); c.814C>T (NM_012472.3); short protein forms R190W, R272W, R152W.
Identifiers: ClinVar variation 965034 (VCV000965034.7), dbSNP rs780609401, ClinGen allele CA4881308.

ClinVar aggregate classification (germline): Uncertain significance. Review status: criteria provided, multiple submitters, no conflicts (2 of 4 stars). 2 submissions from 2 submitters: Uncertain significance (2). Last evaluated 2025-07-02.

Conditions:
Primary ciliary dyskinesia 19. Also called: CILIARY DYSKINESIA, PRIMARY, 19, WITH OR WITHOUT SITUS INVERSUS. Identifiers: Orphanet 244, MedGen C3543826, MONDO:0013979, OMIM 614935.
Primary ciliary dyskinesia. Also called: Ciliary dyskinesia. Identifiers: Orphanet 244, MedGen C0008780, MONDO:0016575, HP:0012265.

Allele frequency attached by ClinVar (database versions not stated): gnomAD 0.00002; gnomAD exomes 0.00002; ExAC 0.00003.
gnomAD v4.1: 59 of 1,603,288 alleles (0.0037%); highest among the groups gnomAD compares: East Asian, 0.025%; no homozygotes.

Submissions (2):

Labcorp Genetics (formerly Invitae), Labcorp
Classification: Uncertain significance for Primary ciliary dyskinesia 19. Last evaluated: 2025-07-02. Review status: criteria provided, single submitter. Criteria: Invitae Variant Classification Sherloc (09022015). Collection method: clinical testing. Allele origin: germline.
Comment: This sequence change replaces arginine, which is basic and polar, with tryptophan, which is neutral and slightly polar, at codon 272 of the LRRC6 protein (p.Arg272Trp). This variant is present in population databases (rs780609401, gnomAD 0.03%). This variant has not been reported in the literature in individuals affected with LRRC6-related conditions. ClinVar contains an entry for this variant (Variation ID: 965034). Invitae Evidence Modeling of protein sequence and biophysical properties (such as structural, functional, and spatial information, amino acid conservation, physicochemical variation, residue mobility, and thermodynamic stability) has been performed for this missense variant. However, the output from this modeling did not meet the statistical confidence thresholds required to predict the impact of this variant on LRRC6 protein function. In summary, the available evidence is currently insufficient to determine the role of this variant in disease. Therefore, it has been classified as a Variant of Uncertain Significance.

Ambry Genetics
Classification: Uncertain significance for Primary ciliary dyskinesia. Last evaluated: 2024-02-17. Review status: criteria provided, single submitter. Criteria: Ambry Variant Classification Scheme 2023. Collection method: clinical testing. Allele origin: germline.